The following is an entry in ClinVar:

ClinVar aggregate classification (germline): Pathogenic. Review status: criteria provided, multiple submitters, no conflicts (2 of 4 stars). 5 submissions from 5 submitters: Pathogenic (5). Last evaluated 2023-06-23.

Conditions:
Wolfram syndrome 1 (WFS1). Identifiers: Orphanet 3463, MedGen C4551693, MONDO:0009101, OMIM 222300.
Cataract 41 (CTRCT41). Also called: CATARACT 41, CONGENITAL NUCLEAR TYPE. Identifiers: Orphanet 91492, Orphanet 98991, Orphanet 98992, Orphanet 98995, MedGen C3805412, MONDO:0007287, OMIM 116400.

Submissions (5):

Labcorp Genetics (formerly Invitae), Labcorp
Classification: Pathogenic. Last evaluated: 2023-06-23. Review status: criteria provided, single submitter. Criteria: Invitae Variant Classification Sherloc (09022015). Collection method: clinical testing. Allele origin: germline.
Comment: This sequence change creates a premature translational stop signal (p.Tyr650Cysfs*61) in the WFS1 gene. While this is not anticipated to result in nonsense mediated decay, it is expected to disrupt the last 241 amino acid(s) of the WFS1 protein. For these reasons, this variant has been classified as Pathogenic. ClinVar contains an entry for this variant (Variation ID: 929946). This variant is also known as T710X. This premature translational stop signal has been observed in individual(s) with autosomal recessive Wolfram syndrome (PMID: 15151504, 19042979). This variant is not present in population databases (gnomAD no frequency).

Broad Center for Mendelian Genomics, Broad Institute of MIT and Harvard
Classification: Pathogenic for Wolfram syndrome 1. Last evaluated: 2023-05-02. Review status: criteria provided, single submitter. Criteria: ACMG Guidelines, 2015. Collection method: curation. Allele origin: germline. Inheritance: Autosomal recessive inheritance.
Comment: The p.Tyr650CysfsTer61 variant in WFS1 has been previously reported in four unrelated individuals with Wolfram syndrome 1 (PMID: 19042979, PMID: 15151504) and segregated with disease in two affected relatives from one family (PMID: 19042979) but was absent from large population studies. Of these four previously reported individuals, two were homozygotes (PMID: 19042979, PMID: 15151504) and two were compound heterozygotes who carried reported pathogenic or likely pathogenic variants in trans (PMID: 19042979, ClinVar Variation ID: 2300477, 228420), which increases the likelihood that the p.Tyr650CysfsTer61 variant is pathogenic. This variant has also been reported in ClinVar (Variation ID: 929946) and has been interpreted as pathogenic by multiple submitters. This variant is predicted to cause a frameshift, which alters the protein‚Äôs amino acid sequence beginning at position 650 and leads to a premature termination codon 61 amino acids downstream. This termination codon occurs within the last exon and is more likely to escape nonsense mediated decay (NMD) and result in a truncated protein. Loss of function of the WFS1 gene is an established disease mechanism in autosomal recessive Wolfram syndrome 1. In summary, this variant meets criteria to be classified as pathogenic for autosomal recessive Wolfram syndrome 1. ACMG/AMP Criteria applied: PVS1_Strong, PM3_Strong, PM2_Supporting (Richards 2015).

Laboratorio de Genetica e Diagnostico Molecular, Hospital Israelita Albert Einstein
Classification: Pathogenic for Cataract 41. Last evaluated: 2022-03-17. Review status: criteria provided, single submitter. Criteria: ACMG Guidelines, 2015. Collection method: clinical testing. Allele origin: germline. Affected: yes. Observed: 1 variant allele.
Comment: ACMG classification criteria: PVS1 strong, PS4 supporting, PM2 moderated, PM3 strong

Laboratory for Molecular Medicine, Mass General Brigham Personalized Medicine
Classification: Pathogenic for Wolfram syndrome. Last evaluated: 2020-01-22. Review status: criteria provided, single submitter. Criteria: LMM Criteria. Collection method: clinical testing. Allele origin: germline. Inheritance: Autosomal recessive inheritance. Observed: 1 variant allele.
Comment: The p.Tyr650CysfsX61 variant in WFS1 has been reported in six individuals with Wolfram syndrome, including three homozygotes and three compound heterozygotes (Domenech et al 2004; Gasparin et al 2009; Broad Rare Genomes Project). It was absent from large population studies. This variant is predicted to cause a frameshift, which alters the proteinâ€™s amino acid sequence beginning at position 650 and leads to a premature termination codon 61 amino acids downstream. This termination codon occurs within the the last exon and is, therefore, likely to escape nonsense mediated decay (NMD) and result in a truncated protein. In summary, this variant meets criteria to be classified as pathogenic for autosomal recessive Wolfram syndrome. ACMG/AMP Criteria applied: PVS1_Strong, PM3_Strong, PM2.

Clinical Genomics, Uppaluri K&H Personalized Medicine Clinic
Classification: Pathogenic for Wolfram syndrome 1. Review status: criteria provided, single submitter. Criteria: K & H Uppaluri Personalized Medicine Clinic Variant Classification & Assertion Criteria_Updated V.1. Collection method: research. Allele origin: unknown. Inheritance: Autosomal recessive inheritance.
Comment: Potent mutations in WFS1 gene are associated with Wolfram's syndrome, an autosomal recessive condition, which cause diabetes mellitus, diabetes insipidus, deafness and optic atrophy.However no sufficient evidence is found to ascertain the role of this particular variant rs1730930342 in Wolfram's syndrome yet.

Literature cited by the submitters: PubMed 15151504 (cited by Labcorp Genetics (formerly Invitae), Labcorp and Laboratory for Molecular Medicine, Mass General Brigham Personalized Medicine); PubMed 19042979 (cited by Labcorp Genetics (formerly Invitae), Labcorp and Laboratory for Molecular Medicine, Mass General Brigham Personalized Medicine); PubMed 17603484 (cited by Clinical Genomics, Uppaluri K&H Personalized Medicine Clinic); PubMed 20301750 (cited by Clinical Genomics, Uppaluri K&H Personalized Medicine Clinic); PubMed 18060660 (cited by Clinical Genomics, Uppaluri K&H Personalized Medicine Clinic); PubMed 12955714 (cited by Clinical Genomics, Uppaluri K&H Personalized Medicine Clinic); PubMed 33879153 (cited by Clinical Genomics, Uppaluri K&H Personalized Medicine Clinic); PubMed 20738327 (cited by Clinical Genomics, Uppaluri K&H Personalized Medicine Clinic).

NM_006005.3(WFS1):c.1949_1950del (p.Tyr650fs)

Gene: WFS1 (wolframin ER transmembrane glycoprotein; plus strand). Cytogenetic location: 4p16.1.
Variant type: Deletion.
Coding change: c.1949_1950del on transcript NM_006005.3 (MANE Select); coding-DNA positions 1949 to 1950, 2 bases deleted (AT; older notation c.1949_1950delAT).
Protein change: p.Tyr650fs; shifts the reading frame from tyrosine 650.
Molecular consequence: frameshift variant.
Genome position (GRCh38, 1-based): chr4:6,301,744-6,301,745, AT deleted; deleting any 2 consecutive bases within chr4:6,301,743-6,301,745 gives the same sequence; the c. name uses the placement nearest the transcript's 3' end. VCF-style (leftmost placement, unchanged base first): chr4-6301742-CTA-C. GRCh37 (hg19) VCF-style: chr4-6303469-CTA-C.
Other names: NM_006005.3(WFS1):c.1949_1950del; p.Tyr650fs; c.1949_1950del, p.Tyr650fs (NM_001145853.1); short protein forms Y650fs.
Identifiers: ClinVar variation 929946 (VCV000929946.12), dbSNP rs1730930342, ClinGen allele CA1139657789.
Genomic context (GRCh38, chr4:6,301,742, plus strand): 5'-GAGCTCCATGGTCAAGCTCATCCTGGTGTGGCTCACGGCCATCGTGCTGTTCTGCTGGTT[CTA>C]TGTGTACCGCTCAGAGGGCATGAAGGTCTACAACTCCACACTGACCTGGCAGCAGTATGG-3'